The following is an entry in ClinVar:

NM_007118.4(TRIO):c.7910G>A (p.Arg2637His)

Gene: TRIO (trio Rho guanine nucleotide exchange factor; plus strand). Cytogenetic location: 5p15.2.
Variant type: single nucleotide variant.
Coding change: c.7910G>A on transcript NM_007118.4 (MANE Select); coding-DNA position 7910, G replaced by A.
Protein change: p.Arg2637His; replaces arginine 2637 with histidine.
Molecular consequence: missense variant. On other transcripts: non-coding transcript variant (1).
Genome position (GRCh38, 1-based): chr5:14,496,908, G>A. VCF-style: chr5-14496908-G-A. GRCh37 (hg19) VCF-style: chr5-14497017-G-A.
Other names: short protein forms R2637H.
Identifiers: ClinVar variation 5039375 (VCV005039375.1).

ClinVar aggregate classification (germline): Likely benign (1 of 4 stars; one submission).

gnomAD v4.1: 15 of 1,614,040 alleles (0.00093%); highest among the groups gnomAD compares: African/African-American, 0.012%; no homozygotes.

Submission:

CeGaT Center for Human Genetics Tuebingen
Classification: Likely benign. Last evaluated: 2026-08-01. Review status: criteria provided, single submitter. Criteria: CeGaT Center For Human Genetics Tuebingen Variant Classification Criteria Version 2. Collection method: clinical testing. Allele origin: germline. Affected: yes. Observed: 1 variant allele.
Comment: TRIO: PP3, BS1